The following is an entry in ClinVar:

ClinVar aggregate classification (germline): Likely benign. Review status: criteria provided, multiple submitters, no conflicts (2 of 4 stars). 3 submissions from 3 submitters: Likely benign (2). 1 of the submissions does not count toward it. Last evaluated 2025-12-21.

Conditions:
Inborn genetic diseases. Identifiers: MedGen C0950123, MeSH D030342.
TONSL-related disorder. Also called: TONSL-related condition.

Allele frequency attached by ClinVar (database versions not stated): gnomAD exomes 0.00010 and 0.00025; ExAC 0.00036; 1000 Genomes Project 0.00060; 1000 Genomes Project 30x 0.00062; gnomAD 0.00092 and 0.00099; TOPMed 0.00099; ESP Exome Variant Server 0.00116.

Submissions (3):

Labcorp Genetics (formerly Invitae), Labcorp
Classification: Likely benign. Last evaluated: 2025-12-21. Review status: criteria provided, single submitter. Criteria: Invitae Variant Classification Sherloc (09022015). Collection method: clinical testing. Allele origin: germline.

Ambry Genetics
Classification: Likely benign for Inborn genetic diseases. Last evaluated: 2024-02-27. Review status: criteria provided, single submitter. Criteria: Ambry Variant Classification Scheme 2023. Collection method: clinical testing. Allele origin: germline.

PreventionGenetics, part of Exact Sciences
Classification: Likely benign for TONSL-related condition. Last evaluated: 2022-05-17. Review status: no assertion criteria provided. Collection method: clinical testing. Allele origin: germline. Not counted in ClinVar's aggregate classification.
Comment: This variant is classified as likely benign based on ACMG/AMP sequence variant interpretation guidelines (Richards et al. 2015 PMID: 25741868, with internal and published modifications).

NM_013432.5(TONSL):c.1441G>A (p.Glu481Lys)

Gene: TONSL (tonsoku like, DNA repair protein; minus strand). Cytogenetic location: 8q24.3.
Variant type: single nucleotide variant.
Coding change: c.1441G>A on transcript NM_013432.5 (MANE Select); coding-DNA position 1441, G replaced by A.
Protein change: p.Glu481Lys; replaces glutamic acid 481 with lysine.
Molecular consequence: missense variant.
Genome position (GRCh38, 1-based): chr8:144,440,060, C>T on the plus strand (G>A on the coding strand, the complement: TONSL is on the minus strand). VCF-style: chr8-144440060-C-T. GRCh37 (hg19) VCF-style: chr8-145665443-C-T.
Other names: c.1441G>A (NM_013432.4); short protein forms E481K.
Identifiers: ClinVar variation 1625364 (VCV001625364.11), dbSNP rs146174683, ClinGen allele CA4943234.